The following is an entry in ClinVar:

ClinVar aggregate classification (germline): Uncertain significance (1 of 4 stars; one submission).

Submission:

Ambry Genetics
Classification: Uncertain significance. Last evaluated: 2024-06-30. Review status: criteria provided, single submitter. Criteria: Ambry Variant Classification Scheme 2023. Collection method: clinical testing. Allele origin: germline.
Comment: The p.P413T variant (also known as c.1237C>A), located in coding exon 4 of the PALLD gene, results from a C to A substitution at nucleotide position 1237. The proline at codon 413 is replaced by threonine, an amino acid with highly similar properties. This amino acid position is conserved. In addition, this alteration is predicted to be deleterious by in silico analysis. Based on the available evidence, the clinical significance of this variant remains unclear.

NM_001166108.2(PALLD):c.1237C>A (p.Pro413Thr)

Gene: PALLD (palladin, cytoskeletal associated protein; plus strand). Cytogenetic location: 4q32.3.
Variant type: single nucleotide variant.
Coding change: c.1237C>A on transcript NM_001166108.2 (MANE Select); coding-DNA position 1237, C replaced by A.
Protein change: p.Pro413Thr; replaces proline 413 with threonine.
Molecular consequence: missense variant.
Genome position (GRCh38, 1-based): chr4:168,683,080, C>A. VCF-style: chr4-168683080-C-A. GRCh37 (hg19) VCF-style: chr4-169604231-C-A.
Other names: c.91C>A, p.Pro31Thr (NM_001166109.2); c.1237C>A, p.Pro413Thr (NM_016081.4); short protein forms P31T, P413T.
Identifiers: ClinVar variation 3413568 (VCV003413568.1).